The following is an entry in ClinVar:

ClinVar aggregate classification (germline): Uncertain significance (1 of 4 stars; one submission).

Submission:

Labcorp Genetics (formerly Invitae), Labcorp
Classification: Uncertain significance. Last evaluated: 2021-01-28. Review status: criteria provided, single submitter. Criteria: Invitae Variant Classification Sherloc (09022015). Collection method: clinical testing. Allele origin: germline.
Comment: In summary, the available evidence is currently insufficient to determine the role of this variant in disease. Therefore, it has been classified as a Variant of Uncertain Significance. Algorithms developed to predict the effect of missense changes on protein structure and function are either unavailable or do not agree on the potential impact of this missense change (SIFT: "Deleterious"; PolyPhen-2: "Benign"; Align-GVGD: "Class C0"). This variant has not been reported in the literature in individuals with CLCN4-related conditions. This variant is not present in population databases (ExAC no frequency). This sequence change replaces leucine with proline at codon 337 of the CLCN4 protein (p.Leu337Pro). The leucine residue is moderately conserved and there is a moderate physicochemical difference between leucine and proline.

NM_001830.4(CLCN4):c.1010T>C (p.Leu337Pro)

Gene: CLCN4 (chloride voltage-gated channel 4; plus strand). Cytogenetic location: Xp22.2.
Variant type: single nucleotide variant.
Coding change: c.1010T>C on transcript NM_001830.4 (MANE Select); coding-DNA position 1010, T replaced by C.
Protein change: p.Leu337Pro; replaces leucine 337 with proline.
Molecular consequence: missense variant.
Genome position (GRCh38, 1-based): chrX:10,208,211, T>C. VCF-style: chrX-10208211-T-C. GRCh37 (hg19) VCF-style: chrX-10176251-T-C.
Other names: c.728T>C, p.Leu243Pro (NM_001256944.2); short protein forms L243P, L337P.
Identifiers: ClinVar variation 1505835 (VCV001505835.8), dbSNP rs2147179582, ClinGen allele CA412037655.